The following is an entry in ClinVar:

ClinVar aggregate classification (germline): Uncertain significance. Review status: criteria provided, multiple submitters, no conflicts (2 of 4 stars). 3 submissions from 3 submitters: Uncertain significance (3). Last evaluated 2024-05-21.

Conditions:
Inborn genetic diseases. Identifiers: MedGen C0950123, MeSH D030342.
Fraser syndrome 1 (FRASRS1). Also called: CRYPTOPHTHALMOS WITH OTHER MALFORMATIONS. Identifiers: Orphanet 2052, MedGen C4551480, MONDO:0054737, OMIM 219000.

Allele frequency attached by ClinVar (database versions not stated): gnomAD exomes 0.00001; gnomAD 0.00003; TOPMed 0.00003.
gnomAD v4.1: 18 of 1,600,102 alleles (0.0011%); highest among the groups gnomAD compares: Admixed American, 0.0051%; no homozygotes.

Submissions (3):

Fulgent Genetics
Classification: Uncertain significance for Fraser syndrome 1. Last evaluated: 2024-05-21. Review status: criteria provided, single submitter. Criteria: ACMG Guidelines, 2015. Collection method: clinical testing. Allele origin: germline.

Ambry Genetics
Classification: Uncertain significance for Inborn genetic diseases. Last evaluated: 2022-05-11. Review status: criteria provided, single submitter. Criteria: Ambry Variant Classification Scheme 2023. Collection method: clinical testing. Allele origin: germline.

Labcorp Genetics (formerly Invitae), Labcorp
Classification: Uncertain significance. Last evaluated: 2022-05-08. Review status: criteria provided, single submitter. Criteria: Invitae Variant Classification Sherloc (09022015). Collection method: clinical testing. Allele origin: germline.
Comment: This sequence change replaces phenylalanine, which is neutral and non-polar, with serine, which is neutral and polar, at codon 1433 of the FRAS1 protein (p.Phe1433Ser). This variant is not present in population databases (gnomAD no frequency). This variant has not been reported in the literature in individuals affected with FRAS1-related conditions. Algorithms developed to predict the effect of missense changes on protein structure and function are either unavailable or do not agree on the potential impact of this missense change (SIFT: "Deleterious"; PolyPhen-2: "Benign"; Align-GVGD: "Class C65"). In summary, the available evidence is currently insufficient to determine the role of this variant in disease. Therefore, it has been classified as a Variant of Uncertain Significance.

NM_025074.7(FRAS1):c.4298T>C (p.Phe1433Ser)

Gene: FRAS1 (Fraser extracellular matrix complex subunit 1; plus strand). Cytogenetic location: 4q21.21.
Variant type: single nucleotide variant.
Coding change: c.4298T>C on transcript NM_025074.7 (MANE Select); coding-DNA position 4298, T replaced by C.
Protein change: p.Phe1433Ser; replaces phenylalanine 1433 with serine.
Molecular consequence: missense variant.
Genome position (GRCh38, 1-based): chr4:78,407,831, T>C. VCF-style: chr4-78407831-T-C. GRCh37 (hg19) VCF-style: chr4-79328985-T-C.
Other names: c.4298T>C, p.Phe1433Ser (NM_001166133.2); short protein forms F1433S.
Identifiers: ClinVar variation 1914118 (VCV001914118.4), dbSNP rs947331078, ClinGen allele CA99942428.